The following is an entry in ClinVar:

ClinVar aggregate classification (germline): Uncertain significance. Review status: criteria provided, multiple submitters, no conflicts (2 of 4 stars). 2 submissions from 2 submitters: Uncertain significance (2). Last evaluated 2025-12-22.

Allele frequency attached by ClinVar (database versions not stated): gnomAD exomes 0.00012 and 0.00015; gnomAD 0.00013 and 0.00014; ExAC 0.00014; ESP Exome Variant Server 0.00015; TOPMed 0.00015.
gnomAD v4.1: 233 of 1,613,694 alleles (0.014%); highest among the groups gnomAD compares: African/African-American, 0.028%; no homozygotes.

Submissions (2):

Labcorp Genetics (formerly Invitae), Labcorp
Classification: Uncertain significance. Last evaluated: 2025-12-22. Review status: criteria provided, single submitter. Criteria: Invitae Variant Classification Sherloc (09022015). Collection method: clinical testing. Allele origin: germline.
Comment: This sequence change replaces arginine, which is basic and polar, with glutamine, which is neutral and polar, at codon 1133 of the TAOK2 protein (p.Arg1133Gln). This variant is present in population databases (rs147468853, gnomAD 0.04%), and has an allele count higher than expected for a pathogenic variant. This variant has not been reported in the literature in individuals affected with TAOK2-related conditions. ClinVar contains an entry for this variant (Variation ID: 1420207). An algorithm developed to predict the effect of missense changes on protein structure and function outputs the following: PolyPhen-2: "Probably Damaging". The glutamine amino acid residue is found in multiple mammalian species, which suggests that this missense change does not adversely affect protein function. In summary, the available evidence is currently insufficient to determine the role of this variant in disease. Therefore, it has been classified as a Variant of Uncertain Significance.

Ambry Genetics
Classification: Uncertain significance. Last evaluated: 2025-06-23. Review status: criteria provided, single submitter. Criteria: Ambry Variant Classification Scheme 2023. Collection method: clinical testing. Allele origin: germline.

NM_016151.4(TAOK2):c.3398G>A (p.Arg1133Gln)

Gene: TAOK2 (TAO kinase 2; plus strand). Cytogenetic location: 16p11.2.
Variant type: single nucleotide variant.
Coding change: c.3398G>A on transcript NM_016151.4 (MANE Select); coding-DNA position 3398, G replaced by A.
Protein change: p.Arg1133Gln; replaces arginine 1133 with glutamine.
Molecular consequence: missense variant. On other transcripts: intron variant (1).
Genome position (GRCh38, 1-based): chr16:29,987,670, G>A. VCF-style: chr16-29987670-G-A. GRCh37 (hg19) VCF-style: chr16-29998991-G-A.
Other names: c.3398G>A (NM_016151.2); c.3059G>A, p.Arg1020Gln (NM_001252043.2); c.2232+1166G>A (NM_004783.4); short protein forms R1020Q, R1133Q.
Identifiers: ClinVar variation 1420207 (VCV001420207.8), dbSNP rs147468853, ClinGen allele CA7998563.